The following is an entry in ClinVar:

NM_170707.4(LMNA):c.241T>C (p.Tyr81His)

Gene: LMNA (lamin A/C; plus strand). Cytogenetic location: 1q22.
Variant type: single nucleotide variant.
Coding change: c.241T>C on transcript NM_170707.4 (MANE Select); coding-DNA position 241, T replaced by C.
Protein change: p.Tyr81His; replaces tyrosine 81 with histidine.
Molecular consequence: missense variant.
Genome position (GRCh38, 1-based): chr1:156,115,159, T>C. VCF-style: chr1-156115159-T-C. GRCh37 (hg19) VCF-style: chr1-156084950-T-C.
Other names: c.241T>C, p.Tyr81His (NM_001282625.2, NM_001282626.2, NM_005572.4 and 1 more transcripts); short protein forms Y81H.
Identifiers: ClinVar variation 543218 (VCV000543218.11), dbSNP rs1553261977, ClinGen allele CA342808404.

ClinVar aggregate classification (germline): Conflicting classifications of pathogenicity. Review status: criteria provided, conflicting classifications (1 of 4 stars). 2 submissions from 2 submitters: Likely pathogenic (1); Uncertain significance (1). Last evaluated 2020-01-14.

Conditions:
Charcot-Marie-Tooth disease type 2. Also called: Charcot-Marie-Tooth type 2. Identifiers: Orphanet 64746, MedGen C0270914, MONDO:0018993.

Submissions (2):

Athena Diagnostics
Classification: Likely pathogenic. Last evaluated: 2020-01-14. Review status: criteria provided, single submitter. Criteria: Athena Diagnostics Criteria. Collection method: clinical testing. Allele origin: unknown.
Comment: Not found in the total gnomAD dataset, and the data is high quality. Predicted to have a damaging effect on the protein.

Labcorp Genetics (formerly Invitae), Labcorp
Classification: Uncertain significance for Charcot-Marie-Tooth disease type 2. Last evaluated: 2019-05-29. Review status: criteria provided, single submitter. Criteria: Invitae Variant Classification Sherloc (09022015). Collection method: clinical testing. Allele origin: germline.
Comment: In summary, the available evidence is currently insufficient to determine the role of this variant in disease. Therefore, it has been classified as a Variant of Uncertain Significance. Algorithms developed to predict the effect of missense changes on protein structure and function (SIFT, PolyPhen-2, Align-GVGD) all suggest that this variant is likely to be disruptive, but these predictions have not been confirmed by published functional studies and their clinical significance is uncertain. This variant has been reported in several individuals with a personal or family history of LMNA-related conditions (PMID: 27884249). This variant is not present in population databases (ExAC no frequency). This sequence change replaces tyrosine with histidine at codon 81 of the LMNA protein (p.Tyr81His). The tyrosine residue is highly conserved and there is a moderate physicochemical difference between tyrosine and histidine.

Literature cited by the submitters: PubMed 27884249 (cited by Athena Diagnostics and Labcorp Genetics (formerly Invitae), Labcorp).